The following is an entry in ClinVar:

ClinVar aggregate classification (germline): Uncertain significance (1 of 4 stars; one submission).

Conditions:
Charcot-Marie-Tooth disease type 4. Also called: Charcot-Marie-Tooth, Type 4; Charcot-Marie-Tooth disease, type IV. Identifiers: Orphanet 64749, MedGen C4082197, MONDO:0018995.

Submission:

Labcorp Genetics (formerly Invitae), Labcorp
Classification: Uncertain significance for Charcot-Marie-Tooth disease type 4. Last evaluated: 2022-06-26. Review status: criteria provided, single submitter. Criteria: Invitae Variant Classification Sherloc (09022015). Collection method: clinical testing. Allele origin: germline.
Comment: This sequence change replaces valine, which is neutral and non-polar, with isoleucine, which is neutral and non-polar, at codon 410 of the PRX protein (p.Val410Ile). This variant is not present in population databases (gnomAD no frequency). This variant has not been reported in the literature in individuals affected with PRX-related conditions. Algorithms developed to predict the effect of missense changes on protein structure and function (SIFT, PolyPhen-2, Align-GVGD) all suggest that this variant is likely to be tolerated. In summary, the available evidence is currently insufficient to determine the role of this variant in disease. Therefore, it has been classified as a Variant of Uncertain Significance.

NM_181882.3(PRX):c.1228G>A (p.Val410Ile)

Gene: PRX (periaxin; minus strand). Cytogenetic location: 19q13.2.
Variant type: single nucleotide variant.
Coding change: c.1228G>A on transcript NM_181882.3 (MANE Select); coding-DNA position 1228, G replaced by A.
Protein change: p.Val410Ile; replaces valine 410 with isoleucine.
Molecular consequence: missense variant. On other transcripts: 3 prime UTR variant (1).
Genome position (GRCh38, 1-based): chr19:40,397,124, C>T on the plus strand (G>A on the coding strand, the complement: PRX is on the minus strand). VCF-style: chr19-40397124-C-T. GRCh37 (hg19) VCF-style: chr19-40903031-C-T.
Other names: c.1513G>A, p.Val505Ile (NM_001411127.1); c.*1433G>A (NM_020956.2); short protein forms V505I, V410I.
Identifiers: ClinVar variation 2105987 (VCV002105987.4), dbSNP rs2514807225, ClinGen allele CA405898828.